The following is an entry in ClinVar:

NM_001606.5(ABCA2):c.3776G>T (p.Arg1259Leu)

Gene: ABCA2 (ATP binding cassette subfamily A member 2; minus strand). Cytogenetic location: 9q34.3.
Variant type: single nucleotide variant.
Coding change: c.3776G>T on transcript NM_001606.5 (MANE Select); coding-DNA position 3776, G replaced by T.
Protein change: p.Arg1259Leu; replaces arginine 1259 with leucine.
Molecular consequence: missense variant.
Genome position (GRCh38, 1-based): chr9:137,015,019, C>A on the plus strand (G>T on the coding strand, the complement: ABCA2 is on the minus strand). VCF-style: chr9-137015019-C-A. GRCh37 (hg19) VCF-style: chr9-139909471-C-A.
Other names: c.3773G>T, p.Arg1258Leu (NM_001411042.1); c.3866G>T, p.Arg1289Leu (NM_212533.3); c.3866G>T (NM_212533.2); short protein forms R1289L, R1259L, R1258L.
Identifiers: ClinVar variation 2771649 (VCV002771649.4), dbSNP rs151057522, ClinGen allele CA375668123.

ClinVar aggregate classification (germline): Uncertain significance. Review status: criteria provided, multiple submitters, no conflicts (2 of 4 stars). 2 submissions from 2 submitters: Uncertain significance (2). Last evaluated 2024-05-13.

Submissions (2):

GeneDx
Classification: Uncertain significance. Last evaluated: 2024-05-13. Review status: criteria provided, single submitter. Criteria: GeneDx Variant Classification Process June 2021. Collection method: clinical testing. Allele origin: germline. Affected: yes.
Comment: Not observed at significant frequency in large population cohorts (gnomAD); In silico analysis supports that this missense variant has a deleterious effect on protein structure/function; Has not been previously published as pathogenic or benign to our knowledge

Labcorp Genetics (formerly Invitae), Labcorp
Classification: Uncertain significance. Last evaluated: 2023-06-05. Review status: criteria provided, single submitter. Criteria: Invitae Variant Classification Sherloc (09022015). Collection method: clinical testing. Allele origin: germline.
Comment: In summary, the available evidence is currently insufficient to determine the role of this variant in disease. Therefore, it has been classified as a Variant of Uncertain Significance. Experimental studies and prediction algorithms are not available or were not evaluated, and the functional significance of this variant is currently unknown. This variant has not been reported in the literature in individuals affected with ABCA2-related conditions. This variant is not present in population databases (gnomAD no frequency). This sequence change replaces arginine, which is basic and polar, with leucine, which is neutral and non-polar, at codon 1289 of the ABCA2 protein (p.Arg1289Leu).